The following is an entry in ClinVar:

NM_001099922.3(ALG13):c.1930C>G (p.Pro644Ala)

Gene: ALG13 (ALG13 UDP-N-acetylglucosaminyltransferase subunit; plus strand). Cytogenetic location: Xq23.
Variant type: single nucleotide variant.
Coding change: c.1930C>G on transcript NM_001099922.3 (MANE Select); coding-DNA position 1930, C replaced by G.
Protein change: p.Pro644Ala; replaces proline 644 with alanine.
Molecular consequence: missense variant. On other transcripts: non-coding transcript variant (1).
Genome position (GRCh38, 1-based): chrX:111,727,009, C>G. VCF-style: chrX-111727009-C-G. GRCh37 (hg19) VCF-style: chrX-110970237-C-G.
Other names: c.1618C>G, p.Pro540Ala (NM_001257230.2, NM_001257234.2, NM_001257237.2); c.1696C>G, p.Pro566Ala (NM_001257231.2); c.1930C>G, p.Pro644Ala (NM_001324292.2); c.1444C>G, p.Pro482Ala (NM_001324293.1); short protein forms P540A, P566A, P644A, P482A.
Identifiers: ClinVar variation 2182974 (VCV002182974.4), dbSNP rs759934702, ClinGen allele CA414252865.
Genomic context (GRCh38, chrX:111,727,009, plus strand): 5'-GATCCTCCAATGCACTACTCACAGACAGCTGGCAATGTTATGTCTAATGAACATTTTCAT[C>G]CTCAGCATCCATCTCCGAGACAAGGTCGGGGATATGGGATGCCCAGGTAAGACATTGACA-3'
Protein context (NP_001093392.1, residues 634-654): GNVMSNEHFH[Pro644Ala]QHPSPRQGRG

ClinVar aggregate classification (germline): Uncertain significance (1 of 4 stars; one submission).

Conditions:
Developmental and epileptic encephalopathy, 36 (DEE36). Also called: ALG13-CDG; Congenital disorder of glycosylation, type Is; Epileptic encephalopathy, early infantile, 36. Identifiers: Orphanet 324422, MedGen C4317295, MONDO:0010472, OMIM 300884.

gnomAD v4.1: 6 of 1,211,079 alleles (0.0005%); highest among the groups gnomAD compares: Non-Finnish European, 0.00067%; no homozygotes.

Submission:

Labcorp Genetics (formerly Invitae), Labcorp
Classification: Uncertain significance for Developmental and epileptic encephalopathy, 36. Last evaluated: 2024-10-30. Review status: criteria provided, single submitter. Criteria: Invitae Variant Classification Sherloc (09022015). Collection method: clinical testing. Allele origin: germline.
Comment: This sequence change replaces proline, which is neutral and non-polar, with alanine, which is neutral and non-polar, at codon 644 of the ALG13 protein (p.Pro644Ala). This variant is not present in population databases (gnomAD no frequency). This variant has not been reported in the literature in individuals affected with ALG13-related conditions. ClinVar contains an entry for this variant (Variation ID: 2182974). Invitae Evidence Modeling of protein sequence and biophysical properties (such as structural, functional, and spatial information, amino acid conservation, physicochemical variation, residue mobility, and thermodynamic stability) indicates that this missense variant is not expected to disrupt ALG13 protein function with a negative predictive value of 95%. In summary, the available evidence is currently insufficient to determine the role of this variant in disease. Therefore, it has been classified as a Variant of Uncertain Significance.